The following is an entry in ClinVar:

NM_001114753.3(ENG):c.1312-13C>A

Genes: ENG (endoglin; minus strand), LOC102723566 (uncharacterized LOC102723566; plus strand). Cytogenetic location: 9q34.11.
Variant type: single nucleotide variant.
Coding change: c.1312-13C>A on transcript NM_001114753.3 (MANE Select); 13 bases into the intron before coding-DNA position 1312, C replaced by A.
Molecular consequence: intron variant.
Genome position (GRCh38, 1-based): chr9:127,818,845, G>T on the plus strand (C>A on the coding strand, the complement: ENG is on the minus strand). VCF-style: chr9-127818845-G-T. GRCh37 (hg19) VCF-style: chr9-130581124-G-T.
Other names: c.1312-13C>A (NM_000118.4); c.766-13C>A (NM_001278138.2).
Identifiers: ClinVar variation 3654832 (VCV003654832.2).

ClinVar aggregate classification (germline): Uncertain significance (1 of 4 stars; one submission).

Conditions:
Hereditary hemorrhagic telangiectasia (HHT). Also called: ORW DISEASE; Osler Weber Rendu syndrome; OSLER-RENDU-WEBER DISEASE; Osler hemorrhagic telangiectasia syndrome. Identifiers: Orphanet 774, MedGen C0039445, MONDO:0019180. Disease mechanism: loss of function.

Submission:

Labcorp Genetics (formerly Invitae), Labcorp
Classification: Uncertain significance for Hereditary hemorrhagic telangiectasia. Last evaluated: 2024-05-28. Review status: criteria provided, single submitter. Criteria: Invitae Variant Classification Sherloc (09022015). Collection method: clinical testing. Allele origin: germline.
Comment: This sequence change falls in intron 10 of the ENG gene. It does not directly change the encoded amino acid sequence of the ENG protein. This variant is not present in population databases (gnomAD no frequency). This variant has not been reported in the literature in individuals affected with ENG-related conditions. Algorithms developed to predict the effect of sequence changes on RNA splicing suggest that this variant may disrupt the consensus splice site. In summary, the available evidence is currently insufficient to determine the role of this variant in disease. Therefore, it has been classified as a Variant of Uncertain Significance.